The following is an entry in ClinVar:

ClinVar aggregate classification (germline): Likely pathogenic (1 of 4 stars; one submission).

Conditions:
Joubert syndrome. Also called: CEREBELLOPARENCHYMAL DISORDER IV; JOUBERT-BOLTSHAUSER SYNDROME; Familial aplasia of the vermis. Identifiers: Orphanet 475, MedGen C5979921, MONDO:0018772.
Meckel-Gruber syndrome. Also called: DYSENCEPHALIA SPLANCHNOCYSTICA; GRUBER SYNDROME; Dysencephalia splachnocystica. Identifiers: Orphanet 564, MedGen C0265215, MONDO:0018921.

Submission:

Labcorp Genetics (formerly Invitae), Labcorp
Classification: Likely pathogenic for Joubert syndrome; Meckel-Gruber syndrome. Last evaluated: 2024-01-19. Review status: criteria provided, single submitter. Criteria: Invitae Variant Classification Sherloc (09022015). Collection method: clinical testing. Allele origin: germline.
Comment: This sequence change affects an acceptor splice site in intron 11 of the TCTN1 gene. It is expected to disrupt RNA splicing. Variants that disrupt the donor or acceptor splice site typically lead to a loss of protein function (PMID: 16199547), and loss-of-function variants in TCTN1 are known to be pathogenic (PMID: 21725307, 22693042, 27894351). This variant is not present in population databases (gnomAD no frequency). This variant has not been reported in the literature in individuals affected with TCTN1-related conditions. Algorithms developed to predict the effect of sequence changes on RNA splicing suggest that this variant may disrupt the consensus splice site. In summary, the currently available evidence indicates that the variant is pathogenic, but additional data are needed to prove that conclusively. Therefore, this variant has been classified as Likely Pathogenic.

Literature cited by the submitters: PubMed 16199547; PubMed 21725307; PubMed 22693042; PubMed 27894351.

NM_001082538.3(TCTN1):c.1332-1G>C

Gene: TCTN1 (tectonic family member 1; plus strand). Cytogenetic location: 12q24.11.
Variant type: single nucleotide variant.
Coding change: c.1332-1G>C on transcript NM_001082538.3 (MANE Select); the canonical splice acceptor site of the intron before coding-DNA position 1332, G replaced by C.
Molecular consequence: splice acceptor variant. On other transcripts: intron variant (2).
Genome position (GRCh38, 1-based): chr12:110,644,966, G>C. VCF-style: chr12-110644966-G-C. GRCh37 (hg19) VCF-style: chr12-111082771-G-C.
Other names: c.1011-7G>C (NM_001173976.2); c.798-1G>C (NM_001319681.2); c.1290-1G>C (NM_024549.6); c.1332-1G>C (NM_001082537.3); c.1191-7G>C (NM_001319680.2); c.1164-1G>C (NM_001173975.3).
Identifiers: ClinVar variation 2922318 (VCV002922318.3), dbSNP rs2548929536, ClinGen allele CA386705630.
Genomic context (GRCh38, chr12:110,644,966, plus strand): 5'-GAAAAACTGCTGGTGGATGAACAACAGCCTCATTCAGTTGACTTCTTTTTCCTTCACCAA[G>C]ACTGACTGGAGCTCTCCCGTGTCAGCTCGTAGCACAGAAGGTGAAGAGCCTGCTGTGGGG-3'